The following is an entry in ClinVar:

ClinVar aggregate classification (germline): Uncertain significance. Review status: criteria provided, multiple submitters, no conflicts (2 of 4 stars). 2 submissions from 2 submitters: Uncertain significance (2). Last evaluated 2025-11-24.

Conditions:
Finnish type amyloidosis. Also called: Amyloidosis, familial, Finnish type; Meretoja type amyloidosis; Amyloidosis 5; AMYLOIDOSIS, HEREDITARY SYSTEMIC 4, FINNISH TYPE; AMYLOID CRANIAL NEUROPATHY WITH LATTICE CORNEAL DYSTROPHY; AMYLOIDOSIS DUE TO MUTANT GELSOLIN. Identifiers: Orphanet 85448, MedGen C1622345, MONDO:0007097, OMIM 105120.

Allele frequency attached by ClinVar (database versions not stated): TOPMed below 0.00001.
gnomAD v4.1: 13 of 1,261,934 alleles (0.001%); highest among the groups gnomAD compares: Non-Finnish European, 0.0012%; no homozygotes.

Submissions (2):

Labcorp Genetics (formerly Invitae), Labcorp
Classification: Uncertain significance. Last evaluated: 2025-11-24. Review status: criteria provided, single submitter. Criteria: Invitae Variant Classification Sherloc (09022015). Collection method: clinical testing. Allele origin: germline.
Comment: This sequence change replaces alanine, which is neutral and non-polar, with glycine, which is neutral and non-polar, at codon 20 of the GSN protein (p.Ala20Gly). This variant is not present in population databases (gnomAD no frequency). This variant has not been reported in the literature in individuals affected with GSN-related conditions. ClinVar contains an entry for this variant (Variation ID: 1349199). An algorithm developed to predict the effect of missense changes on protein structure and function (PolyPhen-2) suggests that this variant is likely to be tolerated. In summary, the available evidence is currently insufficient to determine the role of this variant in disease. Therefore, it has been classified as a Variant of Uncertain Significance.

Fulgent Genetics
Classification: Uncertain significance for Finnish type amyloidosis. Last evaluated: 2021-12-02. Review status: criteria provided, single submitter. Criteria: ACMG Guidelines, 2015. Collection method: clinical testing. Allele origin: unknown.

NM_198252.3(GSN):c.-9-2043C>G

Gene: GSN (gelsolin; plus strand). Cytogenetic location: 9q33.2.
Variant type: single nucleotide variant.
Coding change: c.-9-2043C>G on transcript NM_198252.3 (MANE Select); 2043 bases into the intron before 9 bases upstream of the start codon, C replaced by G.
Molecular consequence: intron variant. On other transcripts: missense variant (1).
Genome position (GRCh38, 1-based): chr9:121,299,920, C>G. VCF-style: chr9-121299920-C-G. GRCh37 (hg19) VCF-style: chr9-124062198-C-G.
Other names: c.59C>G, p.Ala20Gly (NM_000177.5); c.-9-2043C>G (NM_001353054.1, NM_001353053.1, NM_001353060.2 and 5 more transcripts); c.-47-136C>G (NM_001353064.2, NM_001353066.2, NM_001353072.2 and 8 more transcripts); c.-1-2051C>G (NM_001353058.2, NM_001353059.2, NM_001353056.2 and 1 more transcripts); c.-38-145C>G (NM_001353073.2, NM_001353065.2, NM_001353068.2 and 2 more transcripts); c.100-2043C>G (NM_001127663.2); c.-32-151C>G (NM_001353070.2); c.-48-2004C>G (NM_001353055.2); and 3 more; short protein forms A20G.
Identifiers: ClinVar variation 1349199 (VCV001349199.7), dbSNP rs1202263036, ClinGen allele CA374751738.